The following is an entry in ClinVar:

ClinVar aggregate classification (germline): Uncertain significance (1 of 4 stars; one submission).

Allele frequency attached by ClinVar (database versions not stated): gnomAD exomes below 0.00001.

Submission:

Labcorp Genetics (formerly Invitae), Labcorp
Classification: Uncertain significance. Last evaluated: 2021-10-06. Review status: criteria provided, single submitter. Criteria: Invitae Variant Classification Sherloc (09022015). Collection method: clinical testing. Allele origin: germline.
Comment: In summary, the available evidence is currently insufficient to determine the role of this variant in disease. Therefore, it has been classified as a Variant of Uncertain Significance. Experimental studies and prediction algorithms are not available or were not evaluated, and the functional significance of this variant is currently unknown. This variant has not been reported in the literature in individuals affected with PRDM13-related conditions. The frequency data for this variant in the population databases is considered unreliable, as metrics indicate insufficient coverage at this position in the ExAC database. This sequence change creates a premature translational stop signal (p.Ala234Argfs*28) in the PRDM13 gene. While this is not anticipated to result in nonsense mediated decay, it is expected to disrupt the last 474 amino acid(s) of the PRDM13 protein.

NM_021620.4(PRDM13):c.700del (p.Ala234fs)

Gene: PRDM13 (PR/SET domain 13; plus strand). Cytogenetic location: 6q16.2.
Variant type: Deletion.
Coding change: c.700del on transcript NM_021620.4 (MANE Select); coding-DNA position 700, one base deleted (G; older notation c.700delG).
Protein change: p.Ala234fs; shifts the reading frame from alanine 234.
Molecular consequence: frameshift variant.
Genome position (GRCh38, 1-based): chr6:99,613,335, G deleted. VCF-style (leftmost placement, unchanged base first): chr6-99613334-CG-C. GRCh37 (hg19) VCF-style: chr6-100061210-CG-C.
Other names: short protein forms A234fs.
Identifiers: ClinVar variation 1450528 (VCV001450528.6), dbSNP rs2114499865, ClinGen allele CA2573141284.